The following is an entry in ClinVar:

NM_001018005.2(TPM1):c.632C>T (p.Ala211Val)

Gene: TPM1 (tropomyosin 1; plus strand). Cytogenetic location: 15q22.2.
Variant type: single nucleotide variant.
Coding change: c.632C>T on transcript NM_001018005.2 (MANE Select); coding-DNA position 632, C replaced by T.
Protein change: p.Ala211Val; replaces alanine 211 with valine.
Molecular consequence: missense variant. On other transcripts: intron variant (6).
Genome position (GRCh38, 1-based): chr15:63,061,781, C>T. VCF-style: chr15-63061781-C-T. GRCh37 (hg19) VCF-style: chr15-63353980-C-T.
Other names: c.632C>T, p.Ala211Val (NM_001018004.2, NM_001018007.2, NM_001301244.2 and 3 more transcripts); c.524C>T, p.Ala175Val (NM_001018008.2, NM_001301289.2, NM_001330346.2 and 2 more transcripts); c.758C>T, p.Ala253Val (NM_001365778.1); c.640-434C>T (NM_001018020.2, NM_001018006.2, NM_000366.6); c.532-434C>T (NM_001330351.2, NM_001330344.2, NM_001365781.2); short protein forms A211V, A253V, A175V.
Identifiers: ClinVar variation 938612 (VCV000938612.9), dbSNP rs397516487, ClinGen allele CA392724334.

ClinVar aggregate classification (germline): Uncertain significance. Review status: criteria provided, multiple submitters, no conflicts (2 of 4 stars). 3 submissions from 3 submitters: Uncertain significance (3). Last evaluated 2024-06-17.

Conditions:
Hypertrophic cardiomyopathy. Also called: HYPERTROPHIC MYOCARDIOPATHY. Identifiers: Orphanet 217569, MedGen C0007194, MeSH D002312, MONDO:0005045, HP:0001639.

Allele frequency attached by ClinVar (database versions not stated): gnomAD exomes below 0.00001.

Submissions (3):

All of Us Research Program, National Institutes of Health
Classification: Uncertain significance for Hypertrophic cardiomyopathy. Last evaluated: 2024-06-17. Review status: criteria provided, single submitter. Criteria: ACMG Guidelines, 2015. Collection method: clinical testing. Allele origin: germline. Inheritance: Autosomal dominant inheritance. Observed: 1 variant allele, 1 heterozygote.
Comment: This missense variant replaces alanine with valine at codon 211 of the TPM1 protein. Computational prediction tools indicate that this variant's impact on protein structure and function is inconclusive. To our knowledge, functional studies have not been reported for this variant. This variant has been reported in an individual affected with hypertrophic cardiomyopathy (PMID: 28771489). This variant has not been identified in the general population by the Genome Aggregation Database (gnomAD). The available evidence is insufficient to determine the role of this variant in disease conclusively. Therefore, this variant is classified as a Variant of Uncertain Significance.

This study involves interpretation of variants in research participants for the purpose of population health screening. Participant phenotype was not available at the time of variant classification. Additional details can be found in publication PMID: 35346344, PMCID: PMC8962531

Blueprint Genetics
Classification: Uncertain significance. Last evaluated: 2022-03-15. Review status: criteria provided, single submitter. Criteria: ACMG Guidelines, 2015. Collection method: clinical testing. Allele origin: germline.

Labcorp Genetics (formerly Invitae), Labcorp
Classification: Uncertain significance for Hypertrophic cardiomyopathy. Last evaluated: 2021-11-02. Review status: criteria provided, single submitter. Criteria: Invitae Variant Classification Sherloc (09022015). Collection method: clinical testing. Allele origin: germline.
Comment: Algorithms developed to predict the effect of missense changes on protein structure and function (SIFT, PolyPhen-2, Align-GVGD) all suggest that this variant is likely to be tolerated. In summary, the available evidence is currently insufficient to determine the role of this variant in disease. Therefore, it has been classified as a Variant of Uncertain Significance. Algorithms developed to predict the effect of sequence changes on RNA splicing suggest that this variant may create or strengthen a splice site. ClinVar contains an entry for this variant (Variation ID: 938612). This missense change has been observed in individual(s) with hypertrophic cardiomyopathy (PMID: 28771489; Invitae). This variant is not present in population databases (gnomAD no frequency). This sequence change replaces alanine, which is neutral and non-polar, with valine, which is neutral and non-polar, at codon 211 of the TPM1 protein (p.Ala211Val).

Literature cited by the submitters: PubMed 28771489 (cited by All of Us Research Program, National Institutes of Health and Labcorp Genetics (formerly Invitae), Labcorp).